The following is an entry in ClinVar:

ClinVar aggregate classification (germline): Uncertain significance (1 of 4 stars; one submission).

gnomAD v4.1: 1 of 1,550,642 alleles (0.000064%); highest among the groups gnomAD compares: South Asian, 0.0012%; no homozygotes.

Submission:

Labcorp Genetics (formerly Invitae), Labcorp
Classification: Uncertain significance. Last evaluated: 2025-04-07. Review status: criteria provided, single submitter. Criteria: Invitae Variant Classification Sherloc (09022015). Collection method: clinical testing. Allele origin: germline.
Comment: This sequence change replaces cysteine, which is neutral and slightly polar, with arginine, which is basic and polar, at codon 2840 of the OTOG protein (p.Cys2840Arg). This variant is present in population databases (no rsID available, gnomAD 0.009%). This missense change has been observed in individual(s) with OTOG-related conditions (internal data). In at least one individual the data is consistent with being in trans (on the opposite chromosome) from a pathogenic variant. ClinVar contains an entry for this variant (Variation ID: 3683786). An algorithm developed to predict the effect of missense changes on protein structure and function (PolyPhen-2) suggests that this variant is likely to be disruptive. In summary, the available evidence is currently insufficient to determine the role of this variant in disease. Therefore, it has been classified as a Variant of Uncertain Significance.

NM_001292063.2(OTOG):c.8482T>C (p.Cys2828Arg)

Gene: OTOG (otogelin; plus strand). Cytogenetic location: 11p15.1.
Variant type: single nucleotide variant.
Coding change: c.8482T>C on transcript NM_001292063.2 (MANE Select); coding-DNA position 8482, T replaced by C.
Protein change: p.Cys2828Arg; replaces cysteine 2828 with arginine.
Molecular consequence: missense variant.
Genome position (GRCh38, 1-based): chr11:17,645,584, T>C. VCF-style: chr11-17645584-T-C. GRCh37 (hg19) VCF-style: chr11-17667131-T-C.
Other names: c.8518T>C, p.Cys2840Arg (NM_001277269.2); short protein forms C2840R, C2828R.
Identifiers: ClinVar variation 3683786 (VCV003683786.2).